The following is an entry in ClinVar:

NM_007194.4(CHEK2):c.238C>T (p.Pro80Ser)

Gene: CHEK2 (checkpoint kinase 2; minus strand). Cytogenetic location: 22q12.1.
Variant type: single nucleotide variant.
Coding change: c.238C>T on transcript NM_007194.4 (MANE Select); coding-DNA position 238, C replaced by T.
Protein change: p.Pro80Ser; replaces proline 80 with serine.
Molecular consequence: missense variant.
Genome position (GRCh38, 1-based): chr22:28,734,484, G>A on the plus strand (C>T on the coding strand, the complement: CHEK2 is on the minus strand). VCF-style: chr22-28734484-G-A. GRCh37 (hg19) VCF-style: chr22-29130472-G-A.
Other names: c.238C>T, p.Pro80Ser (NM_001005735.3, NM_001349956.3, NM_145862.3); c.-540C>T (NM_001257387.3); short protein forms P80S.
Identifiers: ClinVar variation 234069 (VCV000234069.16), dbSNP rs745355600, ClinGen allele CA10168056.
Genomic context (GRCh38, chr22:28,734,484, plus strand): 5'-GAAGGGCCCATAATCGAGCCCAGGGGGCAGGGGTAGGCTCCTCAGGTTCTTGGTCCTCAG[G>A]TTCTTGGTCCTCAGGAATAGAATAGAGTTCCTGAGTGGACACTGTCTCTAAGGAGCTCAG-3'
Protein context (NP_009125.1, residues 70-90): ELYSIPEDQE[Pro80Ser]EDQEPEEPTP

ClinVar aggregate classification (germline): Uncertain significance. Review status: criteria provided, multiple submitters, no conflicts (2 of 4 stars). 3 submissions from 3 submitters: Uncertain significance (3). Last evaluated 2025-04-30.

Conditions:
Hereditary cancer-predisposing syndrome. Also called: Neoplastic Syndromes, Hereditary; Hereditary Cancer Syndrome; Tumor predisposition; Hereditary neoplastic syndrome. Identifiers: Orphanet 140162, MedGen C0027672, MeSH D009386, MONDO:0015356.
Familial cancer of breast. Also called: hereditary breast carcinoma; Hereditary breast cancer; BREAST CANCER, FAMILIAL. Identifiers: Orphanet 227535, MedGen C0346153, MONDO:0016419, OMIM 114480. Disease mechanism: loss of function.

Allele frequency attached by ClinVar (database versions not stated): gnomAD exomes below 0.00001; ExAC 0.00001.
gnomAD v4.1: 2 of 1,614,114 alleles (0.00012%); highest among the groups gnomAD compares: Non-Finnish European, 0.00017%; no homozygotes.

Submissions (3):

Labcorp Genetics (formerly Invitae), Labcorp
Classification: Uncertain significance for Familial cancer of breast. Last evaluated: 2025-04-30. Review status: criteria provided, single submitter. Criteria: Invitae Variant Classification Sherloc (09022015). Collection method: clinical testing. Allele origin: germline.
Comment: This sequence change replaces proline, which is neutral and non-polar, with serine, which is neutral and polar, at codon 80 of the CHEK2 protein (p.Pro80Ser). This variant is present in population databases (rs745355600, gnomAD 0.0009%). This variant has not been reported in the literature in individuals affected with CHEK2-related conditions. ClinVar contains an entry for this variant (Variation ID: 234069). An algorithm developed to predict the effect of missense changes on protein structure and function (PolyPhen-2) suggests that this variant is likely to be disruptive. In summary, the available evidence is currently insufficient to determine the role of this variant in disease. Therefore, it has been classified as a Variant of Uncertain Significance.

Blueprint Genetics
Classification: Uncertain significance. Last evaluated: 2023-10-06. Review status: criteria provided, single submitter. Criteria: ACMG Guidelines, 2015. Collection method: clinical testing. Allele origin: germline.

Ambry Genetics
Classification: Uncertain significance for Hereditary cancer-predisposing syndrome. Last evaluated: 2023-01-27. Review status: criteria provided, single submitter. Criteria: Ambry Variant Classification Scheme 2023. Collection method: clinical testing. Allele origin: germline.
Comment: The p.P80S variant (also known as c.238C>T), located in coding exon 1 of the CHEK2 gene, results from a C to T substitution at nucleotide position 238. The proline at codon 80 is replaced by serine, an amino acid with similar properties. This amino acid position is well conserved in available vertebrate species. In addition, the in silico prediction for this alteration is inconclusive. Since supporting evidence is limited at this time, the clinical significance of this alteration remains unclear.